The following is an entry in ClinVar:

ClinVar aggregate classification (germline): Pathogenic (1 of 4 stars; one submission).

Submission:

Medical Genetic Center, Changzhi Maternal and Child Health Care Hospital
Classification: Pathogenic. Last evaluated: 2025-12-10. Review status: criteria provided, single submitter. Criteria: ACMG/ClinGen CNV Guidelines, 2019. Collection method: clinical testing. Allele origin: unknown.
Comment: 2A:17q12 recurrent (RCAD syndrome) region (includes HNF1B)

GRCh38/hg38 17q12(chr17:36466620-38248097)x1

Genes: HNF1B (HNF1 homeobox B; minus strand), LHX1 (LIM homeobox 1; plus strand), LHX1-DT (LHX1 divergent transcript; minus strand), MIR2909 (microRNA 2909; plus strand), MIR378J (microRNA 378j; minus strand) and 36 more. Cytogenetic location: 17q12.
Variant type: copy number loss.
Change: copy number 1 (one copy instead of two) of chr17:36,466,620-38,248,097 (1.78 Mb, GRCh38 coordinates, 1-based), cytogenetic band 17q12.
Identifiers: ClinVar variation 4796300 (VCV004796300.1).